The following is an entry in ClinVar:

NM_025114.4(CEP290):c.3710G>T (p.Arg1237Leu)

Gene: CEP290 (centrosomal protein 290; minus strand). Cytogenetic location: 12q21.32.
Variant type: single nucleotide variant.
Coding change: c.3710G>T on transcript NM_025114.4 (MANE Select); coding-DNA position 3710, G replaced by T.
Protein change: p.Arg1237Leu; replaces arginine 1237 with leucine.
Molecular consequence: missense variant.
Genome position (GRCh38, 1-based): chr12:88,089,351, C>A on the plus strand (G>T on the coding strand, the complement: CEP290 is on the minus strand). VCF-style: chr12-88089351-C-A. GRCh37 (hg19) VCF-style: chr12-88483128-C-A.
Other names: short protein forms R1237L.
Identifiers: ClinVar variation 855238 (VCV000855238.10), dbSNP rs7307793, ClinGen allele CA386000873.

ClinVar aggregate classification (germline): Uncertain significance. Review status: criteria provided, multiple submitters, no conflicts (2 of 4 stars). 4 submissions from 4 submitters: Uncertain significance (3). 1 of the submissions does not count toward it. Last evaluated 2023-10-01.

Conditions:
Retinal dystrophy. Also called: Inherited retinal dystrophy. Identifiers: Orphanet 71862, MedGen C0854723, MeSH D058499, MONDO:0019118, HP:0000556.
CEP290-related disorder. Also called: CEP290-related disorders; CEP290-related condition. Identifiers: MedGen CN239314.
Joubert syndrome. Also called: JOUBERT-BOLTSHAUSER SYNDROME; Familial aplasia of the vermis. Identifiers: Orphanet 475, MedGen C5979921, MONDO:0018772.
Nephronophthisis. Also called: Juvenile Nephronophthisis. Identifiers: Orphanet 655, MedGen C0687120, MONDO:0019005, HP:0000090.
Meckel-Gruber syndrome. Also called: Dysencephalia splachnocystica; GRUBER SYNDROME; DYSENCEPHALIA SPLANCHNOCYSTICA. Identifiers: Orphanet 564, MedGen C0265215, MONDO:0018921.

gnomAD v4.1: 3 of 1,613,844 alleles (0.00019%); highest among the groups gnomAD compares: East Asian, 0.0045%; no homozygotes.

Submissions (4):

Dept Of Ophthalmology, Nagoya University
Classification: Uncertain significance for Retinal dystrophy. Last evaluated: 2023-10-01. Review status: criteria provided, single submitter. Criteria: Submitter's publication. Collection method: research. Allele origin: germline. Affected: yes.

Labcorp Genetics (formerly Invitae), Labcorp
Classification: Uncertain significance for Joubert syndrome; Meckel-Gruber syndrome; Nephronophthisis. Last evaluated: 2022-03-10. Review status: criteria provided, single submitter. Criteria: Invitae Variant Classification Sherloc (09022015). Collection method: clinical testing. Allele origin: germline.
Comment: This sequence change replaces arginine, which is basic and polar, with leucine, which is neutral and non-polar, at codon 1237 of the CEP290 protein (p.Arg1237Leu). This variant is not present in population databases (gnomAD no frequency). This variant has not been reported in the literature in individuals affected with CEP290-related conditions. ClinVar contains an entry for this variant (Variation ID: 855238). Algorithms developed to predict the effect of missense changes on protein structure and function (SIFT, PolyPhen-2, Align-GVGD) all suggest that this variant is likely to be disruptive. In summary, the available evidence is currently insufficient to determine the role of this variant in disease. Therefore, it has been classified as a Variant of Uncertain Significance.

Blueprint Genetics
Classification: Uncertain significance. Last evaluated: 2018-08-16. Review status: criteria provided, single submitter. Criteria: ACMG Guidelines, 2015. Collection method: clinical testing. Allele origin: germline.

PreventionGenetics, part of Exact Sciences
Classification: Uncertain significance for CEP290-related condition. Last evaluated: 2024-08-14. Review status: no assertion criteria provided. Collection method: clinical testing. Allele origin: germline. Not counted in ClinVar's aggregate classification.
Comment: The CEP290 c.3710G>T variant is predicted to result in the amino acid substitution p.Arg1237Leu. To our knowledge, this variant has not been reported in the literature or in a large population database, indicating this variant is rare. At this time, the clinical significance of this variant is uncertain due to the absence of conclusive functional and genetic evidence.